The following is an entry in ClinVar:

ClinVar aggregate classification (germline): Uncertain significance (1 of 4 stars; one submission).

gnomAD v4.1: 9 of 1,532,382 alleles (0.00059%); highest among the groups gnomAD compares: Non-Finnish European, 0.00079%; no homozygotes.

Submission:

Labcorp Genetics (formerly Invitae), Labcorp
Classification: Uncertain significance. Last evaluated: 2022-10-05. Review status: criteria provided, single submitter. Criteria: Invitae Variant Classification Sherloc (09022015). Collection method: clinical testing. Allele origin: germline.
Comment: Algorithms developed to predict the effect of missense changes on protein structure and function output the following: SIFT: "Tolerated"; PolyPhen-2: "Benign"; Align-GVGD: "Class C0". The arginine amino acid residue is found in multiple mammalian species, which suggests that this missense change does not adversely affect protein function. In summary, the available evidence is currently insufficient to determine the role of this variant in disease. Therefore, it has been classified as a Variant of Uncertain Significance. This variant has not been reported in the literature in individuals affected with YME1L1-related conditions. This variant is present in population databases (no rsID available, gnomAD 0.007%). This sequence change replaces histidine, which is basic and polar, with arginine, which is basic and polar, at codon 184 of the YME1L1 protein (p.His184Arg).

NM_014263.4(YME1L1):c.380A>G (p.His127Arg)

Gene: YME1L1 (YME1 like 1 ATPase; minus strand). Cytogenetic location: 10p12.1.
Variant type: single nucleotide variant.
Coding change: c.380A>G on transcript NM_014263.4 (MANE Select); coding-DNA position 380, A replaced by G.
Protein change: p.His127Arg; replaces histidine 127 with arginine.
Molecular consequence: missense variant. On other transcripts: intron variant (1).
Genome position (GRCh38, 1-based): chr10:27,142,437, T>C on the plus strand (A>G on the coding strand, the complement: YME1L1 is on the minus strand). VCF-style: chr10-27142437-T-C. GRCh37 (hg19) VCF-style: chr10-27431366-T-C.
Other names: c.551A>G, p.His184Arg (NM_139312.3); c.331+2991A>G (NM_001253866.2); short protein forms H184R, H127R.
Identifiers: ClinVar variation 1931439 (VCV001931439.5), dbSNP rs550855751, ClinGen allele CA376376407.